The following is an entry in ClinVar:

NM_000492.4(CFTR):c.4242+1G>A

Gene: CFTR (CF transmembrane conductance regulator; plus strand). Cytogenetic location: 7q31.2.
Variant type: single nucleotide variant.
Coding change: c.4242+1G>A on transcript NM_000492.4 (MANE Select); the canonical splice donor site of the intron after coding-DNA position 4242, G replaced by A.
Molecular consequence: splice donor variant.
Genome position (GRCh38, 1-based): chr7:117,665,565, G>A. VCF-style: chr7-117665565-G-A. GRCh37 (hg19) VCF-style: chr7-117305619-G-A.
Other names: 4374+1G->A.
Identifiers: ClinVar variation 53929 (VCV000053929.13), dbSNP rs372227120, ClinGen allele CA327465.

ClinVar aggregate classification (germline): Pathogenic. Review status: reviewed by expert panel (3 of 4 stars). 9 submissions from 9 submitters: Pathogenic (1). 8 of the submissions do not count toward it. Last evaluated 2017-03-17.

Conditions:
CFTR-related disorder (CFTR-RD). Also called: CFTR-related condition; CFTR-related disorders. Identifiers: MedGen C5924204, MONDO:7770004.
Bronchiectasis with or without elevated sweat chloride 1 (BESC1). Also called: Cystic Fibrosis-Like Syndrome. Identifiers: Orphanet 60033, MedGen C2749757, MONDO:0008887, OMIM 211400.
Congenital bilateral aplasia of vas deferens from CFTR mutation (CBAVD). Identifiers: Orphanet 48, MedGen C0403814, MONDO:0010178, OMIM 277180. Disease mechanism: loss of function.
Cystic fibrosis (CF). Also called: MUCOVISCIDOSIS. Identifiers: Orphanet 586, MedGen C0010674, MONDO:0009061, OMIM 219700. Disease mechanism: loss of function.
Hereditary pancreatitis (PCTT). Also called: PRSS1-Related Hereditary Pancreatitis; Hereditary chronic pancreatitis. Identifiers: Orphanet 676, MedGen C0238339, MONDO:0008185, OMIM 167800.

gnomAD v4.1: 1 of 1,589,542 alleles (0.000063%); highest among the groups gnomAD compares: South Asian, 0.0011%; no homozygotes.

Submissions (9):

CFTR2
Classification: Pathogenic for Cystic fibrosis. Last evaluated: 2017-03-17. Review status: reviewed by expert panel. Criteria: Sosnay PR et al. (Nat Genet 2013). Collection method: research. Allele origin: germline. Affected: yes. Study: CFTR2.

Labcorp Genetics (formerly Invitae), Labcorp
Classification: Pathogenic for Cystic fibrosis. Last evaluated: 2025-12-09. Review status: criteria provided, single submitter. Criteria: Invitae Variant Classification Sherloc (09022015). Collection method: clinical testing. Allele origin: germline. Not counted in ClinVar's aggregate classification.
Comment: This sequence change affects a donor splice site in intron 26 of the CFTR gene. While this variant is not anticipated to result in nonsense mediated decay, it likely alters RNA splicing and results in a disrupted protein product. This variant is not present in population databases (gnomAD no frequency). Disruption of this splice site has been observed in individuals with cystic fibrosis (PMID: 7682196, 15074370, 29504914). This variant is also known as c.4374 +1G>A. ClinVar contains an entry for this variant (Variation ID: 53929). Variants that disrupt the consensus splice site are a relatively common cause of aberrant splicing (PMID: 17576681, 9536098). Algorithms developed to predict the effect of sequence changes on RNA splicing suggest that this variant may disrupt the consensus splice site. For these reasons, this variant has been classified as Pathogenic.

Natera, Inc.
Classification: Pathogenic for CFTR-related disorders. Last evaluated: 2024-04-29. Review status: criteria provided, single submitter. Criteria: Natera Variant Classification Schema (03/2026). Collection method: clinical testing. Allele origin: germline. Not counted in ClinVar's aggregate classification.
Comment: The c.4242+1G>A variant in CFTR is a canonical splice donor site variant predicted to affect pre-mRNA splicing, which may result in an abnormal transcript and altered protein product. This variant may result in a truncated or dysfunctional protein product. This variant is rare in the general population with a frequency below the threshold expected for the associated phenotype(s). This variant has been observed in one or more individuals affected with the associated recessive disease, as either homozygous or compound heterozygous with a second variant (PMID: 15074370, 29504914). Given the available evidence, this variant is classified as Pathogenic.

Institute of Human Genetics, University of Leipzig Medical Center
Classification: Pathogenic for Cystic fibrosis. Last evaluated: 2022-09-05. Review status: criteria provided, single submitter. Criteria: ACMG Guidelines, 2015. Collection method: curation. Allele origin: unknown. Affected: yes. Observed: 1 variant allele. Not counted in ClinVar's aggregate classification.
Comment: The variant was classified in the context of a project re-classifying variants in the German Cystic Fibrosis Registry (Muko.e.V.). Criteria applied: PVS1_STR, PS1_SUP, PM2_SUP, PM3_STR, PP4

Fulgent Genetics
Classification: Pathogenic for Hereditary pancreatitis; Bronchiectasis with or without elevated sweat chloride 1; Cystic fibrosis; Congenital bilateral aplasia of vas deferens from CFTR mutation. Last evaluated: 2021-10-29. Review status: criteria provided, single submitter. Criteria: ACMG Guidelines, 2015. Collection method: clinical testing. Allele origin: unknown. Not counted in ClinVar's aggregate classification.

Women's Health and Genetics/Laboratory Corporation of America, LabCorp
Classification: Pathogenic for Cystic fibrosis. Last evaluated: 2021-09-01. Review status: criteria provided, single submitter. Criteria: LabCorp Variant Classification Summary - May 2015. Collection method: clinical testing. Allele origin: germline. Not counted in ClinVar's aggregate classification.
Comment: Variant summary: CFTR c.4242+1G>A is located in a canonical splice-site and is predicted to affect mRNA splicing resulting in a significantly altered protein due to either exon skipping, shortening, or inclusion of intronic material. Several computational tools predict a significant impact on normal splicing: Four predict the variant abolishes the canonical 5' splicing donor site. However, these predictions have yet to be confirmed by functional studies. The variant was absent in 250642 control chromosomes. c.4242+1G>A has been reported in the literature in individuals affected with Cystic Fibrosis (example, Fanen_1992, Kay_2015, Ivanov_2018, Petrova_2019). These data indicate that the variant is likely to be associated with disease. To our knowledge, no experimental evidence demonstrating an impact on protein function has been reported. One clinical diagnostic laboratory and two databases (CFTR-France and CFTR2) have submitted clinical-significance assessments for this variant to ClinVar after 2014 without evidence for independent evaluation. All submitters classified the variant as pathogenic/likely pathogenic. Based on the evidence outlined above, the variant was classified as pathogenic.

CFTR-France
Classification: Pathogenic for cystic fibrosis. Last evaluated: 2018-01-29. Review status: criteria provided, single submitter. Criteria: Claustres M et al. (Hum Mutat 2017). Collection method: curation. Allele origin: germline. Affected: yes. Not counted in ClinVar's aggregate classification.

Counsyl
Classification: Likely pathogenic for Cystic fibrosis. Last evaluated: 2017-05-26. Review status: no assertion criteria provided. Collection method: clinical testing. Allele origin: unknown. Not counted in ClinVar's aggregate classification.

ClinVar Staff, National Center for Biotechnology Information (NCBI)
No classification provided. Condition: CFTR-related disorders. Review status: no classification provided. Collection method: literature only. Allele origin: germline. Affected: yes. Not counted in ClinVar's aggregate classification.

Literature cited by the submitters: PubMed 7682196 (cited by Labcorp Genetics (formerly Invitae), Labcorp); PubMed 15074370 (cited by 3 submitters); PubMed 29504914 (cited by 3 submitters); PubMed 17576681 (cited by Labcorp Genetics (formerly Invitae), Labcorp); PubMed 9536098 (cited by Labcorp Genetics (formerly Invitae), Labcorp); PubMed 1379210 (cited by 3 submitters); PubMed 26098992 (cited by Women's Health and Genetics/Laboratory Corporation of America, LabCorp and Counsyl); PubMed 25525159 (cited by Women's Health and Genetics/Laboratory Corporation of America, LabCorp and Counsyl); PubMed 31245908 (cited by Women's Health and Genetics/Laboratory Corporation of America, LabCorp); PubMed 20059485 (cited by Counsyl).